The following is an entry in ClinVar:

ClinVar aggregate classification (germline): Benign. Review status: criteria provided, single submitter (1 of 4 stars). 2 submissions from 2 submitters: Benign (1). 1 of the submissions does not count toward it. Last evaluated 2025-08-18.

Conditions:
NNT-related disorder. Also called: NNT-related condition.

Allele frequency attached by ClinVar (database versions not stated): ExAC 0.00013; 1000 Genomes Project 0.00020; gnomAD 0.00021; 1000 Genomes Project 30x 0.00031; TOPMed 0.00004; ESP Exome Variant Server 0.00008; gnomAD exomes 0.00010.
gnomAD v4.1: 175 of 1,612,486 alleles (0.011%); highest among the groups gnomAD compares: Non-Finnish European, 0.0046%; 1 homozygote.

Submissions (2):

Labcorp Genetics (formerly Invitae), Labcorp
Classification: Benign. Last evaluated: 2025-08-18. Review status: criteria provided, single submitter. Criteria: Invitae Variant Classification Sherloc (09022015). Collection method: clinical testing. Allele origin: germline.

PreventionGenetics, part of Exact Sciences
Classification: Likely benign for NNT-related condition. Last evaluated: 2024-02-09. Review status: no assertion criteria provided. Collection method: clinical testing. Allele origin: germline. Not counted in ClinVar's aggregate classification.
Comment: This variant is classified as likely benign based on ACMG/AMP sequence variant interpretation guidelines (Richards et al. 2015 PMID: 25741868, with internal and published modifications).

NM_182977.3(NNT):c.1280T>C (p.Val427Ala)

Gene: NNT (nicotinamide nucleotide transhydrogenase; plus strand). Cytogenetic location: 5p12.
Variant type: single nucleotide variant.
Coding change: c.1280T>C on transcript NM_182977.3 (MANE Select); coding-DNA position 1280, T replaced by C.
Protein change: p.Val427Ala; replaces valine 427 with alanine.
Molecular consequence: missense variant.
Genome position (GRCh38, 1-based): chr5:43,644,792, T>C. VCF-style: chr5-43644792-T-C. GRCh37 (hg19) VCF-style: chr5-43644894-T-C.
Other names: c.887T>C, p.Val296Ala (NM_001331026.2); c.1280T>C, p.Val427Ala (NM_012343.4); short protein forms V296A, V427A.
Identifiers: ClinVar variation 3036246 (VCV003036246.3), dbSNP rs201576637, ClinGen allele CA3257928.